The following is an entry in ClinVar:

ClinVar aggregate classification (germline): Uncertain significance (1 of 4 stars; one submission).

Conditions:
Long QT syndrome (LQTS). Identifiers: MedGen C0023976, MeSH D008133, MONDO:0002442. Disease mechanism: loss of function. Inheritance: Various modes of inheritance.

Submission:

Labcorp Genetics (formerly Invitae), Labcorp
Classification: Uncertain significance for Long QT syndrome. Last evaluated: 2021-09-24. Review status: criteria provided, single submitter. Criteria: Invitae Variant Classification Sherloc (09022015). Collection method: clinical testing. Allele origin: germline.
Comment: This sequence change replaces glycine with aspartic acid at codon 962 of the CACNA1C protein (p.Gly962Asp). The glycine residue is highly conserved and there is a moderate physicochemical difference between glycine and aspartic acid. This variant is not present in population databases (ExAC no frequency). This variant has not been reported in the literature in individuals affected with CACNA1C-related conditions. Algorithms developed to predict the effect of missense changes on protein structure and function are either unavailable or do not agree on the potential impact of this missense change (SIFT: "Deleterious"; PolyPhen-2: "Probably Damaging"; Align-GVGD: "Class C0"). In summary, the available evidence is currently insufficient to determine the role of this variant in disease. Therefore, it has been classified as a Variant of Uncertain Significance.

NM_000719.7(CACNA1C):c.2885G>A (p.Gly962Asp)

Gene: CACNA1C (calcium voltage-gated channel subunit alpha1 C; plus strand). Cytogenetic location: 12p13.33.
Variant type: single nucleotide variant.
Coding change: c.2885G>A on transcript NM_000719.7 (MANE Select); coding-DNA position 2885, G replaced by A.
Protein change: p.Gly962Asp; replaces glycine 962 with aspartic acid.
Molecular consequence: missense variant.
Genome position (GRCh38, 1-based): chr12:2,601,885, G>A. VCF-style: chr12-2601885-G-A. GRCh37 (hg19) VCF-style: chr12-2711051-G-A.
Other names: c.2945G>A, p.Gly982Asp (NM_001129827.2, NM_001129832.2, NM_199460.4); c.2885G>A, p.Gly962Asp (NM_001129829.2, NM_001129830.3, NM_001129831.2 and 15 more transcripts); c.2876G>A, p.Gly959Asp (NM_001129844.2); short protein forms G962D, G982D, G959D.
Identifiers: ClinVar variation 1363240 (VCV001363240.5), dbSNP rs2153406309, ClinGen allele CA383373037.